The following continues an entry in ClinVar:

NM_032043.3(BRIP1):c.2543G>A (p.Arg848His)

Gene: BRIP1. ClinVar aggregate classification (germline): Conflicting classifications of pathogenicity. Pathogenic (2); Likely pathogenic (7); Uncertain significance (5).

Submissions 9 to 17 of 17:

Women's Health and Genetics/Laboratory Corporation of America, LabCorp
Classification: Pathogenic for Fanconi anemia complementation group J. Last evaluated: 2024-06-04. Review status: criteria provided, single submitter. Criteria: LabCorp Variant Classification Summary - May 2015. Collection method: clinical testing. Allele origin: germline.
Comment: Variant summary: BRIP1 c.2543G>A (p.Arg848His) results in a non-conservative amino acid change located in the ATP-dependent helicase, C-terminal domain (IPR006555) of the encoded protein sequence. Five of five in-silico tools predict a damaging effect of the variant on protein function. The variant was absent in 251348 control chromosomes. c.2543G>A has been reported in the literature in homozygous state in individuals affected with Fanconi Anemia Complementation Group J (Kamal_2020, Steinberg-Shemer_2020). It has also been reported in heterozygous state in individuals affected with cutaneous malignant melanoms (Tuominen_2016). These data indicate that the variant is very likely to be associated with disease. At least one publication reports experimental evidence evaluating an impact on protein function. The most pronounced variant effect results in increased chromosomal breakage after exposure to increasing concentrations of mitomycin C in peripheral blood lymphocytes of an affected individual and loss of helicase activity of the mutant protein in an in vitro assay (Kamal_2020). The following publications have been ascertained in the context of this evaluation (PMID: 33028645, 315588676, 27074266). ClinVar contains an entry for this variant (Variation ID: 141499). Based on the evidence outlined above, the variant was classified as pathogenic.

Baylor Genetics
Classification: Uncertain significance for Familial cancer of breast. Last evaluated: 2023-07-31. Review status: criteria provided, single submitter. Criteria: ACMG Guidelines, 2015. Collection method: clinical testing. Allele origin: unknown.

GeneDx
Classification: Uncertain significance. Last evaluated: 2019-08-19. Review status: criteria provided, single submitter. Criteria: GeneDx Variant Classification Process June 2021. Collection method: clinical testing. Allele origin: germline. Affected: yes.
Comment: Not observed at a significant frequency in large population cohorts (Lek 2016); In silico analysis, which includes protein predictors and evolutionary conservation, supports a deleterious effect; Observed in individuals with breast cancer or ovarian cancer and in a family with multiple cases of melanoma (Kim 2016, Tuominen 2016, Weber-Lassalle 2018); This variant is associated with the following publications: (PMID: 31558676, 29368626, 27074266, 26709662, 26790966)

Fulgent Genetics
Classification: Uncertain significance for Familial cancer of breast; Fanconi anemia complementation group J. Last evaluated: 2018-10-31. Review status: criteria provided, single submitter. Criteria: ACMG Guidelines, 2015. Collection method: clinical testing. Allele origin: unknown.

Centre de Biologie Pathologie Génétique, Centre Hospitalier Universitaire de Lille
Classification: Likely pathogenic for Neurodevelopmental delay. Review status: criteria provided, single submitter. Criteria: ACMG Guidelines, 2015. Collection method: clinical testing. Allele origin: unknown. Affected: yes.

Juno Genomics, Hangzhou Juno Genomics, Inc
Classification: Likely pathogenic for Familial cancer of breast; Fanconi anemia complementation group J. Review status: criteria provided, single submitter. Criteria: ACMG Guidelines, 2015. Collection method: clinical testing. Allele origin: germline.
Comment: Absent from controls (or at extremely low frequency if recessive) in Genome Aggregation Database.;Multiple lines of computational evidence support a deleterious effect on the gene or gene product.;The prevalence of the variant in affected individuals is significantly increased compared to the prevalence in controls.;For recessive disorders, detected in trans with a pathogenic variant.

King Laboratory, University of Washington
Classification: Pathogenic for Fanconi anemia complementation group J. Last evaluated: 2020-08-13. Review status: no assertion criteria provided. Collection method: clinical testing. Allele origin: germline. Inheritance: Autosomal recessive inheritance. Affected: yes. Not counted in ClinVar's aggregate classification.

Leiden Open Variation Database
Classification: Uncertain significance. Last evaluated: 2019-08-13. Review status: no assertion criteria provided. Collection method: curation. Allele origin: germline. Affected: yes. Not counted in ClinVar's aggregate classification.
Comment: Curator: Arleen D. Auerbach. Submitter to LOVD: Yukihide Momozawa.

Counsyl
Classification: Uncertain significance for Fanconi anemia complementation group J; Ovarian cancer. Last evaluated: 2018-04-26. Review status: no assertion criteria provided. Collection method: clinical testing. Allele origin: unknown. Not counted in ClinVar's aggregate classification.

Literature cited by the submitters: PubMed 31558676 (cited by 5 submitters); PubMed 33028645 (cited by 5 submitters); PubMed 26790966 (cited by 5 submitters); PubMed 29368626 (cited by 4 submitters); PubMed 31214711 (cited by 3 submitters); PubMed 27074266 (cited by 5 submitters); PubMed 32980694 (cited by Color Diagnostics, LLC DBA Color Health); PubMed 33471991 (cited by Color Diagnostics, LLC DBA Color Health).